The following is an entry in ClinVar:

NM_001080517.3(SETD5):c.721A>G (p.Lys241Glu)

Gene: SETD5 (SET domain containing 5; plus strand). Cytogenetic location: 3p25.3.
Variant type: single nucleotide variant.
Coding change: c.721A>G on transcript NM_001080517.3 (MANE Select); coding-DNA position 721, A replaced by G.
Protein change: p.Lys241Glu; replaces lysine 241 with glutamic acid.
Molecular consequence: missense variant.
Genome position (GRCh38, 1-based): chr3:9,440,609, A>G. VCF-style: chr3-9440609-A-G. GRCh37 (hg19) VCF-style: chr3-9482293-A-G.
Other names: c.427A>G, p.Lys143Glu (NM_001292043.2, NM_001349451.2); short protein forms K143E, K241E.
Identifiers: ClinVar variation 2747831 (VCV002747831.3), dbSNP rs2472660103, ClinGen allele CA351687771.
Genomic context (GRCh38, chr3:9,440,609, plus strand): 5'-TTCACTAATCAGTACAGTGCAGATGTACAGAACGCGCTTGAACAACACCTACATTCTAGC[A>G]AGGAATTTGTGGGCAAACCTACTATTTTAGACACTATTAATAAGACTGAATTGGCCTGTA-3'
Protein context (NP_001073986.1, residues 231-251): NALEQHLHSS[Lys241Glu]EFVGKPTILD

ClinVar aggregate classification (germline): Uncertain significance (1 of 4 stars; one submission).

Submission:

Labcorp Genetics (formerly Invitae), Labcorp
Classification: Uncertain significance. Last evaluated: 2024-02-08. Review status: criteria provided, single submitter. Criteria: Invitae Variant Classification Sherloc (09022015). Collection method: clinical testing. Allele origin: germline.
Comment: This sequence change replaces lysine, which is basic and polar, with glutamic acid, which is acidic and polar, at codon 241 of the SETD5 protein (p.Lys241Glu). This variant is not present in population databases (gnomAD no frequency). This variant has not been reported in the literature in individuals affected with SETD5-related conditions. Advanced modeling of protein sequence and biophysical properties (such as structural, functional, and spatial information, amino acid conservation, physicochemical variation, residue mobility, and thermodynamic stability) has been performed at Invitae for this missense variant, however the output from this modeling did not meet the statistical confidence thresholds required to predict the impact of this variant on SETD5 protein function. In summary, the available evidence is currently insufficient to determine the role of this variant in disease. Therefore, it has been classified as a Variant of Uncertain Significance.